The following is an entry in ClinVar:

ClinVar aggregate classification (germline): Benign/Likely benign. Review status: criteria provided, multiple submitters, no conflicts (2 of 4 stars). 5 submissions from 5 submitters: Benign (4); Likely benign (1). Last evaluated 2026-10-01.

Conditions:
VARS2-related disorder. Also called: VARS2-related condition; VARS2-related disorders.

Allele frequency attached by ClinVar (database versions not stated): 1000 Genomes Project 30x 0.00312; 1000 Genomes Project 0.00319; TOPMed 0.00339; ESP Exome Variant Server 0.00438; gnomAD exomes 0.00634; ExAC 0.00704; gnomAD 0.00736.
gnomAD v4.1: 9,229 of 1,609,212 alleles (0.57%); highest among the groups gnomAD compares: Non-Finnish European, 0.56%; 65 homozygotes.

Submissions (5):

CeGaT Center for Human Genetics Tuebingen
Classification: Likely benign. Last evaluated: 2026-10-01. Review status: criteria provided, single submitter. Criteria: CeGaT Center For Human Genetics Tuebingen Variant Classification Criteria Version 2. Collection method: clinical testing. Allele origin: germline. Affected: yes. Observed: 8 variant alleles.
Comment: VARS2: BP4, BS2

Labcorp Genetics (formerly Invitae), Labcorp
Classification: Benign. Last evaluated: 2026-01-12. Review status: criteria provided, single submitter. Criteria: Invitae Variant Classification Sherloc (09022015). Collection method: clinical testing. Allele origin: germline.

PreventionGenetics, part of Exact Sciences
Classification: Benign for VARS2-related condition. Last evaluated: 2025-12-31. Review status: criteria provided, single submitter. Criteria: ACMG Guidelines, 2015. Collection method: clinical testing. Allele origin: germline.
Comment: This variant is classified as benign based on ACMG/AMP sequence variant interpretation guidelines (Richards et al. 2015 PMID: 25741868, with internal and published modifications).

Mayo Clinic Laboratories, Mayo Clinic
Classification: Benign. Last evaluated: 2019-12-11. Review status: criteria provided, single submitter. Criteria: ACMG Guidelines, 2015. Collection method: clinical testing. Allele origin: germline. Observed: 13 variant alleles.

GeneDx
Classification: Benign. Last evaluated: 2016-04-08. Review status: criteria provided, single submitter. Criteria: GeneDx Variant Classification (06012015). Collection method: clinical testing. Allele origin: germline. Affected: yes.
Comment: This variant is considered likely benign or benign based on one or more of the following criteria: it is a conservative change, it occurs at a poorly conserved position in the protein, it is predicted to be benign by multiple in silico algorithms, and/or has population frequency not consistent with disease.

NM_020442.6(VARS2):c.1670C>A (p.Ala557Asp)

Gene: VARS2 (valyl-tRNA synthetase 2, mitochondrial; plus strand). Cytogenetic location: 6p21.33.
Variant type: single nucleotide variant.
Coding change: c.1670C>A on transcript NM_020442.6 (MANE Select); coding-DNA position 1670, C replaced by A.
Protein change: p.Ala557Asp; replaces alanine 557 with aspartic acid.
Molecular consequence: missense variant.
Genome position (GRCh38, 1-based): chr6:30,921,626, C>A. VCF-style: chr6-30921626-C-A. GRCh37 (hg19) VCF-style: chr6-30889403-C-A.
Other names: p.Ala587Asp; c.1250C>A, p.Ala417Asp (NM_001167733.3); c.1760C>A, p.Ala587Asp (NM_001167734.2); short protein forms A557D, A587D, A417D.
Identifiers: ClinVar variation 381458 (VCV000381458.34), dbSNP rs55822421, ClinGen allele CA3705998.
Genomic context (GRCh38, chr6:30,921,626, plus strand): 5'-CCAACCCCTTCCTACTTTTGCAGGGAGAAGAGGACTGTTGGGTGGTTGGGCGGTCAGAGG[C>A]TGAGGCCAGAGAGGTAGCAGCGGAACTGACAGGGAGGCCAGGGGCAGAGCTGACCCTGGA-3'
Protein context (NP_065175.4, residues 547-567): EDCWVVGRSE[Ala557Asp]EAREVAAELT